The following is an entry in ClinVar:

NM_004370.6(COL12A1):c.8100+2T>C

Gene: COL12A1 (collagen type XII alpha 1 chain; minus strand). Cytogenetic location: 6q13.
Variant type: single nucleotide variant.
Coding change: c.8100+2T>C on transcript NM_004370.6 (MANE Select); the canonical splice donor site of the intron after coding-DNA position 8100, T replaced by C.
Molecular consequence: splice donor variant.
Genome position (GRCh38, 1-based): chr6:75,109,016, A>G on the plus strand (T>C on the coding strand, the complement: COL12A1 is on the minus strand). VCF-style: chr6-75109016-A-G. GRCh37 (hg19) VCF-style: chr6-75818732-A-G.
Other names: c.4608+2T>C (NM_080645.3).
Identifiers: ClinVar variation 843473 (VCV000843473.10), dbSNP rs1768702301, ClinGen allele CA364741445.
Genomic context (GRCh38, chr6:75,109,016, plus strand): 5'-TAGAAAAATGCCATTTCAATCTTAACACAAGGTACCAAGAGAAATAAAAATGTGTTACTC[A>G]CTGCGGCTGATTTCCTTTCCCCTTTAAGGAGTTTTCCAAGAATTTCATAACCATCAGTTG-3'

ClinVar aggregate classification (germline): Pathogenic (1 of 4 stars; one submission).

Conditions:
Ullrich congenital muscular dystrophy 2 (UCMD2). Identifiers: Orphanet 75840, MedGen C4225314, MONDO:0014654, OMIM 616470.
Bethlem myopathy 2 (BTHLM2). Identifiers: Orphanet 536516, Orphanet 610, MedGen C4225313, MONDO:0034022, OMIM 616471.

Submission:

Labcorp Genetics (formerly Invitae), Labcorp
Classification: Pathogenic for Bethlem myopathy 2; Ullrich congenital muscular dystrophy 2. Last evaluated: 2019-12-08. Review status: criteria provided, single submitter. Criteria: Invitae Variant Classification Sherloc (09022015). Collection method: clinical testing. Allele origin: germline.
Comment: This variant has been observed in individual(s) with autosomal dominant COL12A1-related myopathy (PMID: 29342313). It has also been observed to segregate with disease in related individuals. This sequence change affects a donor splice site in intron 52 of the COL12A1 gene. It is expected to disrupt RNA splicing and likely results in an absent or disrupted protein product. This variant is not present in population databases (ExAC no frequency). For these reasons, this variant has been classified as Pathogenic.

Literature cited by the submitters: PubMed 29342313.